The following is an entry in ClinVar:

ClinVar aggregate classification (germline): Uncertain significance (1 of 4 stars; one submission).

Conditions:
Neurofibromatosis, type 1 (NF1). Also called: Peripheral type neurofibromatosis; NEUROFIBROMATOSIS, TYPE I, SOMATIC; VON RECKLINGHAUSEN DISEASE; Neurofibromatosis, type I. Identifiers: Orphanet 636, MedGen C0027831, MONDO:0018975, OMIM 162200. Disease mechanism: loss of function.

Submission:

Labcorp Genetics (formerly Invitae), Labcorp
Classification: Uncertain significance for Neurofibromatosis, type 1. Last evaluated: 2023-09-21. Review status: criteria provided, single submitter. Criteria: Invitae Variant Classification Sherloc (09022015). Collection method: clinical testing. Allele origin: germline.
Comment: In summary, the available evidence is currently insufficient to determine the role of this variant in disease. Therefore, it has been classified as a Variant of Uncertain Significance. Advanced modeling of protein sequence and biophysical properties (such as structural, functional, and spatial information, amino acid conservation, physicochemical variation, residue mobility, and thermodynamic stability) performed at Invitae indicates that this missense variant is expected to disrupt NF1 protein function. This variant has not been reported in the literature in individuals affected with NF1-related conditions. This variant is not present in population databases (gnomAD no frequency). This sequence change replaces glutamic acid, which is acidic and polar, with glycine, which is neutral and non-polar, at codon 2624 of the NF1 protein (p.Glu2624Gly).

NM_001042492.3(NF1):c.7934A>G (p.Glu2645Gly)

Gene: NF1 (neurofibromin 1; plus strand). Cytogenetic location: 17q11.2.
Variant type: single nucleotide variant.
Coding change: c.7934A>G on transcript NM_001042492.3 (MANE Select); coding-DNA position 7934, A replaced by G.
Protein change: p.Glu2645Gly; replaces glutamic acid 2645 with glycine.
Molecular consequence: missense variant.
Genome position (GRCh38, 1-based): chr17:31,357,333, A>G. VCF-style: chr17-31357333-A-G. GRCh37 (hg19) VCF-style: chr17-29684351-A-G.
Other names: c.7871A>G, p.Glu2624Gly (NM_000267.4); short protein forms E2624G, E2645G.
Identifiers: ClinVar variation 2746640 (VCV002746640.3), dbSNP rs2151583358, ClinGen allele CA399203490.